The following is an entry in ClinVar:

ClinVar aggregate classification (germline): Uncertain significance. Review status: criteria provided, multiple submitters, no conflicts (2 of 4 stars). 4 submissions from 3 submitters: Uncertain significance (4). Last evaluated 2024-10-29.

Conditions:
Inborn genetic diseases. Identifiers: MedGen C0950123, MeSH D030342.
Retinitis pigmentosa 39 (RP39). Identifiers: Orphanet 791, MedGen C3151138, MONDO:0013436, OMIM 613809.
Usher syndrome type 2A. Also called: USHER SYNDROME, TYPE IIA; RETINAL DISEASE IN USHER SYNDROME TYPE IIA, MODIFIER OF. Identifiers: Orphanet 231178, Orphanet 886, MedGen C1848634, MONDO:0010169, OMIM 276901.

Allele frequency attached by ClinVar (database versions not stated): gnomAD 0.00001; gnomAD exomes 0.00001; ExAC 0.00002; TOPMed 0.00004; ESP Exome Variant Server 0.00008.
gnomAD v4.1: 20 of 1,613,878 alleles (0.0012%); highest among the groups gnomAD compares: African/African-American, 0.008%; no homozygotes.

Submissions (4):

Labcorp Genetics (formerly Invitae), Labcorp
Classification: Uncertain significance. Last evaluated: 2024-10-29. Review status: criteria provided, single submitter. Criteria: Invitae Variant Classification Sherloc (09022015). Collection method: clinical testing. Allele origin: germline.
Comment: This sequence change replaces arginine, which is basic and polar, with cysteine, which is neutral and slightly polar, at codon 4040 of the USH2A protein (p.Arg4040Cys). This variant is present in population databases (rs370339612, gnomAD 0.004%). This variant has not been reported in the literature in individuals affected with USH2A-related conditions. ClinVar contains an entry for this variant (Variation ID: 2198654). Invitae Evidence Modeling of protein sequence and biophysical properties (such as structural, functional, and spatial information, amino acid conservation, physicochemical variation, residue mobility, and thermodynamic stability) indicates that this missense variant is not expected to disrupt USH2A protein function with a negative predictive value of 95%. In summary, the available evidence is currently insufficient to determine the role of this variant in disease. Therefore, it has been classified as a Variant of Uncertain Significance.

Genome-Nilou Lab
Classification: Uncertain significance for Retinitis pigmentosa 39. Last evaluated: 2023-11-04. Review status: criteria provided, single submitter. Criteria: ACMG Guidelines, 2015. Collection method: clinical testing. Allele origin: germline. Affected: no.

Genome-Nilou Lab
Classification: Uncertain significance for Usher syndrome type 2A. Last evaluated: 2023-11-04. Review status: criteria provided, single submitter. Criteria: ACMG Guidelines, 2015. Collection method: clinical testing. Allele origin: germline. Affected: no.

Ambry Genetics
Classification: Uncertain significance for Inborn genetic diseases. Last evaluated: 2021-07-13. Review status: criteria provided, single submitter. Criteria: Ambry Variant Classification Scheme 2023. Collection method: clinical testing. Allele origin: germline.

NM_206933.4(USH2A):c.12118C>T (p.Arg4040Cys)

Gene: USH2A (usherin; minus strand). Cytogenetic location: 1q41.
Variant type: single nucleotide variant.
Coding change: c.12118C>T on transcript NM_206933.4 (MANE Select); coding-DNA position 12118, C replaced by T.
Protein change: p.Arg4040Cys; replaces arginine 4040 with cysteine.
Molecular consequence: missense variant.
Genome position (GRCh38, 1-based): chr1:215,680,325, G>A on the plus strand (C>T on the coding strand, the complement: USH2A is on the minus strand). VCF-style: chr1-215680325-G-A. GRCh37 (hg19) VCF-style: chr1-215853667-G-A.
Other names: c.12118C>T (NM_206933.2); short protein forms R4040C.
Identifiers: ClinVar variation 2198654 (VCV002198654.4), dbSNP rs370339612, ClinGen allele CA1393535.